The following is an entry in ClinVar:

ClinVar aggregate classification (germline): Likely pathogenic (1 of 4 stars; one submission).

Submission:

Labcorp Genetics (formerly Invitae), Labcorp
Classification: Likely pathogenic. Last evaluated: 2023-02-08. Review status: criteria provided, single submitter. Criteria: Invitae Variant Classification Sherloc (09022015). Collection method: clinical testing. Allele origin: germline.
Comment: This variant is not present in population databases (gnomAD no frequency). This variant has not been reported in the literature in individuals affected with HPS5-related conditions. Algorithms developed to predict the effect of sequence changes on RNA splicing suggest that this variant may disrupt the consensus splice site. In summary, the currently available evidence indicates that the variant is pathogenic, but additional data are needed to prove that conclusively. Therefore, this variant has been classified as Likely Pathogenic. This sequence change affects an acceptor splice site in intron 7 of the HPS5 gene. It is expected to disrupt RNA splicing. Variants that disrupt the donor or acceptor splice site typically lead to a loss of protein function (PMID: 16199547), and loss-of-function variants in HPS5 are known to be pathogenic (PMID: 12548288, 15296495, 21833017, 26785811).

Literature cited by the submitters: PubMed 16199547; PubMed 12548288; PubMed 15296495; PubMed 21833017; PubMed 26785811.

NM_181507.2(HPS5):c.825-1G>T

Gene: HPS5 (HPS5 biogenesis of lysosomal organelles complex 2 subunit 2; minus strand). Cytogenetic location: 11p15.1.
Variant type: single nucleotide variant.
Coding change: c.825-1G>T on transcript NM_181507.2 (MANE Select); the canonical splice acceptor site of the intron before coding-DNA position 825, G replaced by T.
Molecular consequence: splice acceptor variant. On other transcripts: intron variant (3).
Genome position (GRCh38, 1-based): chr11:18,305,494, C>A on the plus strand (G>T on the coding strand, the complement: HPS5 is on the minus strand). VCF-style: chr11-18305494-C-A. GRCh37 (hg19) VCF-style: chr11-18327041-C-A.
Other names: c.482+641G>T (NM_001440929.1, NM_001440928.1, NM_001440927.1); c.483-1G>T (NM_181508.2, NM_001440921.1, NM_001440926.1 and 7 more transcripts); c.714-1G>T (NM_001440915.1, NM_001440914.1, NM_001440913.1); c.825-1G>T (NM_001440931.1, NM_001440917.1, NM_001440906.1 and 5 more transcripts); c.750-1G>T (NM_001440907.1, NM_001440909.1, NM_001440908.1); c.612-1G>T (NM_001440919.1); c.639-1G>T (NM_001440918.1).
Identifiers: ClinVar variation 2833287 (VCV002833287.3), dbSNP rs2134423817, ClinGen allele CA379501296.